The following is an entry in ClinVar:

ClinVar aggregate classification (germline): Likely benign. Review status: criteria provided, multiple submitters, no conflicts (2 of 4 stars). 4 submissions from 4 submitters: Likely benign (4). Last evaluated 2025-05-13.

Conditions:
Nephronophthisis 14 (NPHP14). Identifiers: Orphanet 2318, MedGen C3539071, MONDO:0013916, OMIM 614844.

Allele frequency attached by ClinVar (database versions not stated): ESP Exome Variant Server 0.00008; ExAC 0.00010; gnomAD exomes 0.00012 and 0.00032; TOPMed 0.00021; gnomAD 0.00023.
gnomAD v4.1: 488 of 1,614,090 alleles (0.03%); highest among the groups gnomAD compares: Non-Finnish European, 0.037%; 1 homozygote.

Submissions (4):

Labcorp Genetics (formerly Invitae), Labcorp
Classification: Likely benign for Nephronophthisis 14. Last evaluated: 2025-05-13. Review status: criteria provided, single submitter. Criteria: Invitae Variant Classification Sherloc (09022015). Collection method: clinical testing. Allele origin: germline.

CeGaT Center for Human Genetics Tuebingen
Classification: Likely benign. Last evaluated: 2025-03-01. Review status: criteria provided, single submitter. Criteria: CeGaT Center For Human Genetics Tuebingen Variant Classification Criteria Version 2. Collection method: clinical testing. Allele origin: germline. Affected: yes. Observed: 4 variant alleles.
Comment: ZNF423: BP4, BP7

Blueprint Genetics
Classification: Likely benign. Last evaluated: 2022-12-07. Review status: criteria provided, single submitter. Criteria: ACMG Guidelines, 2015. Collection method: clinical testing. Allele origin: germline.

Breakthrough Genomics
Classification: Likely benign. Review status: criteria provided, single submitter. Criteria: ACMG Guidelines, 2015. Collection method: not provided. Allele origin: germline. Inheritance: Autosomal dominant inheritance. Affected: yes.

NM_001379286.1(ZNF423):c.1848C>T (p.Ser616=)

Gene: ZNF423 (zinc finger protein 423; minus strand). Cytogenetic location: 16q12.1.
Variant type: single nucleotide variant.
Coding change: c.1848C>T on transcript NM_001379286.1 (MANE Select); coding-DNA position 1848, C replaced by T.
Protein change: p.Ser616=; no amino-acid change (serine 616 retained).
Molecular consequence: synonymous variant.
Genome position (GRCh38, 1-based): chr16:49,637,328, G>A on the plus strand (C>T on the coding strand, the complement: ZNF423 is on the minus strand). VCF-style: chr16-49637328-G-A. GRCh37 (hg19) VCF-style: chr16-49671239-G-A.
Other names: c.1644C>T, p.Ser548= (NM_001271620.2); c.1473C>T, p.Ser491= (NM_001330533.2); c.1824C>T, p.Ser608= (NM_015069.5).
Identifiers: ClinVar variation 728313 (VCV000728313.40), dbSNP rs376218086, ClinGen allele CA8046621.